The following is an entry in ClinVar:

NM_001369.3(DNAH5):c.3006G>C (p.Met1002Ile)

Genes: DNAH5 (dynein axonemal heavy chain 5; minus strand), DNAH5-AS1 (DNAH5 antisense RNA 1; plus strand). Cytogenetic location: 5p15.2.
Variant type: single nucleotide variant.
Coding change: c.3006G>C on transcript NM_001369.3 (MANE Select); coding-DNA position 3006, G replaced by C.
Protein change: p.Met1002Ile; replaces methionine 1002 with isoleucine.
Molecular consequence: missense variant.
Genome position (GRCh38, 1-based): chr5:13,883,072, C>G on the plus strand (G>C on the coding strand, the complement: DNAH5 is on the minus strand). VCF-style: chr5-13883072-C-G. GRCh37 (hg19) VCF-style: chr5-13883181-C-G.
Other names: short protein forms M1002I.
Identifiers: ClinVar variation 2586225 (VCV002586225.2), dbSNP rs1185699460, ClinGen allele CA359194218.

ClinVar aggregate classification (germline): Uncertain significance (1 of 4 stars; one submission).

Conditions:
Primary ciliary dyskinesia. Also called: Ciliary dyskinesia. Identifiers: Orphanet 244, MedGen C0008780, MONDO:0016575, HP:0012265.

Allele frequency attached by ClinVar (database versions not stated): gnomAD exomes below 0.00001; TOPMed below 0.00001.

Submission:

Ambry Genetics
Classification: Uncertain significance for Primary ciliary dyskinesia. Last evaluated: 2023-09-06. Review status: criteria provided, single submitter. Criteria: Ambry Variant Classification Scheme 2023. Collection method: clinical testing. Allele origin: germline.
Comment: The p.M1002I variant (also known as c.3006G>C), located in coding exon 20 of the DNAH5 gene, results from a G to C substitution at nucleotide position 3006. The methionine at codon 1002 is replaced by isoleucine, an amino acid with highly similar properties. This amino acid position is conserved. In addition, this alteration is predicted to be tolerated by in silico analysis. Since supporting evidence is limited at this time, the clinical significance of this alteration remains unclear.